The following is an entry in ClinVar:

NM_020297.4(ABCC9):c.3998A>G (p.Lys1333Arg)

Genes: KCNJ8-AS1 (KCNJ8 antisense RNA 1; plus strand), ABCC9 (ATP binding cassette subfamily C member 9; minus strand). Cytogenetic location: 12p12.1.
Variant type: single nucleotide variant.
Coding change: c.3998A>G on transcript NM_020297.4 (MANE Select); coding-DNA position 3998, A replaced by G.
Protein change: p.Lys1333Arg; replaces lysine 1333 with arginine.
Molecular consequence: missense variant.
Genome position (GRCh38, 1-based): chr12:21,815,788, T>C on the plus strand (A>G on the coding strand, the complement: ABCC9 is on the minus strand). VCF-style: chr12-21815788-T-C. GRCh37 (hg19) VCF-style: chr12-21968722-T-C.
Other names: c.3998A>G, p.Lys1333Arg (NM_001377273.1, NM_005691.4); c.3131A>G, p.Lys1044Arg (NM_001377274.1); c.3998A>G (NM_005691.2); short protein forms K1333R, K1044R.
Identifiers: ClinVar variation 1481364 (VCV001481364.7), dbSNP rs2137173907, ClinGen allele CA384136105.

ClinVar aggregate classification (germline): Uncertain significance. Review status: criteria provided, multiple submitters, no conflicts (2 of 4 stars). 2 submissions from 2 submitters: Uncertain significance (2). Last evaluated 2026-07-10.

Conditions:
Cardiovascular phenotype. Identifiers: MedGen CN230736.
Dilated cardiomyopathy 1O (CMD1O). Also called: CARDIOMYOPATHY, DILATED, WITH VENTRICULAR TACHYCARDIA. Identifiers: Orphanet 154, MedGen C1837839, MONDO:0012062, OMIM 608569.

Allele frequency attached by ClinVar (database versions not stated): gnomAD exomes below 0.00001.
gnomAD v4.1: 1 of 1,613,300 alleles (0.000062%); highest among the groups gnomAD compares: Non-Finnish European, 0.000085%; no homozygotes.

Submissions (2):

Ambry Genetics
Classification: Uncertain significance for Cardiovascular phenotype. Last evaluated: 2026-07-10. Review status: criteria provided, single submitter. Criteria: Ambry Variant Classification Scheme 2023. Collection method: clinical testing. Allele origin: germline.
Comment: The p.K1333R variant (also known as c.3998A>G), located in coding exon 32 of the ABCC9 gene, results from an A to G substitution at nucleotide position 3998. The lysine at codon 1333 is replaced by arginine, an amino acid with highly similar properties. This amino acid position is not well conserved in available vertebrate species. In addition, the in silico prediction for this alteration is inconclusive. Based on the available evidence, the clinical significance of this variant remains unclear.

Labcorp Genetics (formerly Invitae), Labcorp
Classification: Uncertain significance for Dilated cardiomyopathy 1O. Last evaluated: 2021-11-10. Review status: criteria provided, single submitter. Criteria: Invitae Variant Classification Sherloc (09022015). Collection method: clinical testing. Allele origin: germline.
Comment: This sequence change replaces lysine, which is basic and polar, with arginine, which is basic and polar, at codon 1333 of the ABCC9 protein (p.Lys1333Arg). This variant is not present in population databases (gnomAD no frequency). This variant has not been reported in the literature in individuals affected with ABCC9-related conditions. Algorithms developed to predict the effect of missense changes on protein structure and function (SIFT, PolyPhen-2, Align-GVGD) all suggest that this variant is likely to be tolerated. In summary, the available evidence is currently insufficient to determine the role of this variant in disease. Therefore, it has been classified as a Variant of Uncertain Significance.